The following is an entry in ClinVar:

NC_000023.10:g.(?_107867446)_(107869599_?)del

Gene: COL4A5 (collagen type IV alpha 5 chain; plus strand). Cytogenetic location: Xq22.3.
Variant type: Deletion.
Identifiers: ClinVar variation 2423171 (VCV002423171.4).

ClinVar aggregate classification (germline): Pathogenic (1 of 4 stars; one submission).

Submission:

Labcorp Genetics (formerly Invitae), Labcorp
Classification: Pathogenic. Last evaluated: 2022-03-28. Review status: criteria provided, single submitter. Criteria: Invitae Variant Classification Sherloc (09022015). Collection method: clinical testing. Allele origin: germline.
Comment: For these reasons, this variant has been classified as Pathogenic. This variant has not been reported in the literature in individuals affected with COL4A5-related conditions. This variant is a gross deletion of the genomic region encompassing exon(s) 34-36 of the COL4A5 gene. This deletion is out-of-frame, and is expected to create a premature termination codon and result in an absent or disrupted protein product. Loss-of-function variants in COL4A5 are known to be pathogenic (PMID: 9195222, 10752524, 14514738, 24854265, 26809805).

Literature cited by the submitters: PubMed 9195222; PubMed 10752524; PubMed 14514738; PubMed 24854265; PubMed 26809805.